The following is an entry in ClinVar:

NM_172107.4(KCNQ2):c.1869C>A (p.Leu623=)

Gene: KCNQ2 (potassium voltage-gated channel subfamily Q member 2; minus strand). Cytogenetic location: 20q13.33.
Variant type: single nucleotide variant.
Coding change: c.1869C>A on transcript NM_172107.4 (MANE Select); coding-DNA position 1869, C replaced by A.
Protein change: p.Leu623=; no amino-acid change (leucine 623 retained).
Molecular consequence: synonymous variant.
Genome position (GRCh38, 1-based): chr20:63,408,431, G>T on the plus strand (C>A on the coding strand, the complement: KCNQ2 is on the minus strand). VCF-style: chr20-63408431-G-T. GRCh37 (hg19) VCF-style: chr20-62039784-G-T.
Other names: c.1923C>A, p.Leu641= (NM_001382235.1); c.1785C>A, p.Leu595= (NM_004518.6); c.1815C>A, p.Leu605= (NM_172106.3); c.1776C>A, p.Leu592= (NM_172108.5).
Identifiers: ClinVar variation 2153862 (VCV002153862.17), dbSNP rs774516728, ClinGen allele CA9958232.

ClinVar aggregate classification (germline): Likely benign. Review status: criteria provided, multiple submitters, no conflicts (2 of 4 stars). 2 submissions from 2 submitters: Likely benign (2). Last evaluated 2025-04-08.

Conditions:
Early-infantile DEE. Also called: Early infantile epileptic encephalopathy; Early infantile epileptic encephalopathy with suppression bursts; Ohtahara syndrome. Identifiers: Orphanet 1934, MedGen C0393706, MONDO:0800491.

Allele frequency attached by ClinVar (database versions not stated): gnomAD 0.00001; TOPMed 0.00002.
gnomAD v4.1: 9 of 1,608,436 alleles (0.00056%); highest among the groups gnomAD compares: Non-Finnish European, 0.00076%; no homozygotes.

Submissions (2):

Labcorp Genetics (formerly Invitae), Labcorp
Classification: Likely benign for Early-infantile DEE. Last evaluated: 2025-04-08. Review status: criteria provided, single submitter. Criteria: Invitae Variant Classification Sherloc (09022015). Collection method: clinical testing. Allele origin: germline.

CeGaT Center for Human Genetics Tuebingen
Classification: Likely benign. Last evaluated: 2024-12-01. Review status: criteria provided, single submitter. Criteria: CeGaT Center For Human Genetics Tuebingen Variant Classification Criteria Version 2. Collection method: clinical testing. Allele origin: germline. Affected: yes. Observed: 1 variant allele.
Comment: KCNQ2: BP4, BP7